The following is an entry in ClinVar:

ClinVar aggregate classification (germline): Uncertain significance (1 of 4 stars; one submission).

Submission:

Women's Health and Genetics/Laboratory Corporation of America, LabCorp
Classification: Uncertain significance. Last evaluated: 2025-07-29. Review status: criteria provided, single submitter. Criteria: LabCorp Variant Classification Summary - May 2015. Collection method: clinical testing. Allele origin: germline.
Comment: Variant summary: SLC9A6 c.509G>T (p.Arg170Ile) results in a non-conservative amino acid change in the encoded protein sequence. Algorithms developed to predict the effect of missense changes on protein structure and function are either unavailable or do not agree on the potential impact of this missense change. Consensus agreement among computation tools predict no significant impact on normal splicing. However, these predictions have yet to be confirmed by functional studies. The variant was absent in 148248 control chromosomes. The available data on variant occurrences in the general population are insufficient to allow any conclusion about variant significance. To our knowledge, no occurrence of c.509G>T in individuals affected with Christianson Syndrome and no experimental evidence demonstrating its impact on protein function have been reported. No submitters have cited clinical-significance assessments for this variant to ClinVar. Based on the evidence outlined above, the variant was classified as uncertain significance.

NM_001379110.1(SLC9A6):c.449G>T (p.Arg150Ile)

Gene: SLC9A6 (solute carrier family 9 member A6; plus strand). Cytogenetic location: Xq26.3.
Variant type: single nucleotide variant.
Coding change: c.449G>T on transcript NM_001379110.1 (MANE Select); coding-DNA position 449, G replaced by T.
Protein change: p.Arg150Ile; replaces arginine 150 with isoleucine.
Molecular consequence: missense variant.
Genome position (GRCh38, 1-based): chrX:135,998,483, G>T. VCF-style: chrX-135998483-G-T. GRCh37 (hg19) VCF-style: chrX-135080642-G-T.
Other names: c.605G>T, p.Arg202Ile (NM_001042537.2, NM_001438742.1); c.449G>T, p.Arg150Ile (NM_001177651.2, NM_001400909.1, NM_001400910.1 and 2 more transcripts); c.353G>T, p.Arg118Ile (NM_001330652.2, NM_001400913.1); c.509G>T, p.Arg170Ile (NM_006359.3); short protein forms R150I, R202I, R170I, R118I.
Identifiers: ClinVar variation 4526008 (VCV004526008.1).